The following is an entry in ClinVar:

NM_001267550.2(TTN):c.12970G>T (p.Glu4324Ter)

Gene: TTN (titin; minus strand). Cytogenetic location: 2q31.2.
Variant type: single nucleotide variant.
Coding change: c.12970G>T on transcript NM_001267550.2 (MANE Select); coding-DNA position 12970, G replaced by T.
Protein change: p.Glu4324Ter; replaces glutamic acid 4324 with a stop codon.
Molecular consequence: nonsense. On other transcripts: intron variant (1).
Genome position (GRCh38, 1-based): chr2:178,740,263, C>A on the plus strand (G>T on the coding strand, the complement: TTN is on the minus strand). VCF-style: chr2-178740263-C-A. GRCh37 (hg19) VCF-style: chr2-179604990-C-A.
Other names: c.12019G>T, p.Glu4007Ter (NM_001256850.1); c.11881G>T, p.Glu3961Ter (NM_003319.4); c.12256G>T, p.Glu4086Ter (NM_133432.3); c.12457G>T, p.Glu4153Ter (NM_133437.4); c.10361-1903G>T (NM_133378.4); short protein forms E3961*, E4007*, E4086*, E4153*, E4324*.
Identifiers: ClinVar variation 3748145 (VCV003748145.2).
Genomic context (GRCh38, chr2:178,740,263, plus strand): 5'-CTTCTTTGAGCAGTACCTGCTTTTCTTCAAGTGCTAGTGGAAATCTTAAGGACTTGCCTT[C>A]CTCAATTCTGACCGCAGAATCTTGCCCTGCATTTTCCAGTGGATTTGCACTTTCTATCAA-3'

ClinVar aggregate classification (germline): Likely pathogenic (1 of 4 stars; one submission).

Conditions:
Dilated cardiomyopathy 1G (CMD1G). Identifiers: Orphanet 154, MedGen C1858763, MONDO:0011400, OMIM 604145.
Autosomal recessive limb-girdle muscular dystrophy type 2J (LGMDR10). Also called: Limb-girdle muscular dystrophy, type 2J; MUSCULAR DYSTROPHY, LIMB-GIRDLE, AUTOSOMAL RECESSIVE 10. Identifiers: Orphanet 140922, MedGen C1837342, MONDO:0012127, OMIM 608807.

Submission:

Labcorp Genetics (formerly Invitae), Labcorp
Classification: Likely pathogenic for Dilated cardiomyopathy 1G; Autosomal recessive limb-girdle muscular dystrophy type 2J. Last evaluated: 2024-07-15. Review status: criteria provided, single submitter. Criteria: Invitae Variant Classification Sherloc (09022015). Collection method: clinical testing. Allele origin: germline.
Comment: This sequence change creates a premature translational stop signal (p.Glu4324*) in the TTN gene. While this is not anticipated to result in nonsense mediated decay, it is expected to create a truncated TTN protein. This variant is not present in population databases (gnomAD no frequency). This premature translational stop signal has been observed in individual(s) with dilated cardiomyopathy (Invitae). This variant is located in the I band of TTN (PMID: 25589632). Truncating variants in this region have been reported in individuals affected with autosomal recessive centronuclear myopathy (PMID: 23975875, Invitae internal data). Truncating variants in this region have also been identified in individuals affected with autosomal dominant dilated cardiomyopathy and/or cardio-related conditions (PMID: 27869827, 32964742, Invitae internal data). In summary, the currently available evidence indicates that the variant is pathogenic, but additional data are needed to prove that conclusively. Therefore, this variant has been classified as Likely Pathogenic.

Literature cited by the submitters: PubMed 25589632; PubMed 23975875; PubMed 27869827; PubMed 32964742.